The following is an entry in ClinVar:

ClinVar aggregate classification (germline): Uncertain significance (1 of 4 stars; one submission).

Conditions:
Hereditary cancer-predisposing syndrome. Also called: Neoplastic Syndromes, Hereditary; Tumor predisposition; Hereditary neoplastic syndrome; Hereditary Cancer Syndrome. Identifiers: Orphanet 140162, MedGen C0027672, MeSH D009386, MONDO:0015356.

Submission:

Ambry Genetics
Classification: Uncertain significance for Hereditary cancer-predisposing syndrome. Last evaluated: 2024-05-23. Review status: criteria provided, single submitter. Criteria: Ambry Variant Classification Scheme 2023. Collection method: clinical testing. Allele origin: germline.
Comment: The p.P69Q variant (also known as c.206C>A), located in coding exon 4 of the SMARCE1 gene, results from a C to A substitution at nucleotide position 206. The proline at codon 69 is replaced by glutamine, an amino acid with similar properties. This amino acid position is highly conserved in available vertebrate species. In addition, this alteration is predicted to be deleterious by in silico analysis. Based on the available evidence, the clinical significance of this variant remains unclear.

NM_003079.5(SMARCE1):c.206C>A (p.Pro69Gln)

Gene: SMARCE1 (SWI/SNF related BAF chromatin remodeling complex subunit E1; minus strand). Cytogenetic location: 17q21.2.
Variant type: single nucleotide variant.
Coding change: c.206C>A on transcript NM_003079.5 (MANE Select); coding-DNA position 206, C replaced by A.
Protein change: p.Pro69Gln; replaces proline 69 with glutamine.
Molecular consequence: missense variant.
Genome position (GRCh38, 1-based): chr17:40,637,523, G>T on the plus strand (C>A on the coding strand, the complement: SMARCE1 is on the minus strand). VCF-style: chr17-40637523-G-T. GRCh37 (hg19) VCF-style: chr17-38793775-G-T.
Other names: short protein forms P69Q.
Identifiers: ClinVar variation 3320858 (VCV003320858.1).